The following is an entry in ClinVar:

NM_144687.4(NLRP12):c.2394G>A (p.Gln798=)

Gene: NLRP12 (NLR family pyrin domain containing 12; minus strand). Cytogenetic location: 19q13.42.
Variant type: single nucleotide variant.
Coding change: c.2394G>A on transcript NM_144687.4 (MANE Select); coding-DNA position 2394, G replaced by A.
Protein change: p.Gln798=; no amino-acid change (glutamine 798 retained).
Molecular consequence: synonymous variant. On other transcripts: no sequence alteration (1).
Genome position (GRCh38, 1-based): chr19:53,805,300, C>T on the plus strand (G>A on the coding strand, the complement: NLRP12 is on the minus strand). VCF-style: chr19-53805300-C-T. GRCh37 (hg19) VCF-style: chr19-54308554-C-T.
Other names: c.2397G>A, p.Gln799= (NM_001277126.2); c.2394=, p.Gln798= (NM_001277129.1).
Identifiers: ClinVar variation 403242 (VCV000403242.33), dbSNP rs4806773, ClinGen allele CA9639100.

ClinVar aggregate classification (germline): Benign/Likely benign. Review status: criteria provided, multiple submitters, no conflicts (2 of 4 stars). 8 submissions from 8 submitters: Benign (7); Likely benign (1). Last evaluated 2026-02-04.

Conditions:
Familial cold autoinflammatory syndrome 2 (FCAS2). Identifiers: Orphanet 247868, MedGen C2673198, MONDO:0012724, OMIM 611762.

Allele frequency attached by ClinVar (database versions not stated): 1000 Genomes Project 0.80631; 1000 Genomes Project 30x 0.80840; TOPMed 0.84416; ExAC 0.84739; gnomAD 0.84859 and 0.85135; ESP Exome Variant Server 0.85491.
gnomAD v4.1: 1,398,333 of 1,613,798 alleles (87%); highest among the groups gnomAD compares: Non-Finnish European, 88%; 607,693 homozygotes.

Submissions (8):

Labcorp Genetics (formerly Invitae), Labcorp
Classification: Benign for Familial cold autoinflammatory syndrome 2. Last evaluated: 2026-02-04. Review status: criteria provided, single submitter. Criteria: Invitae Variant Classification Sherloc (09022015). Collection method: clinical testing. Allele origin: germline.

Women's Health and Genetics/Laboratory Corporation of America, LabCorp
Classification: Benign. Last evaluated: 2026-01-21. Review status: criteria provided, single submitter. Criteria: LabCorp Variant Classification Summary - May 2015. Collection method: clinical testing. Allele origin: germline.

ARUP Laboratories, Molecular Genetics and Genomics, ARUP Laboratories
Classification: Benign for Familial cold autoinflammatory syndrome 2. Last evaluated: 2025-07-29. Review status: criteria provided, single submitter. Criteria: ARUP Molecular Germline Variant Investigation Process 2024. Collection method: clinical testing. Allele origin: germline.

Blueprint Genetics
Classification: Likely benign. Last evaluated: 2024-11-28. Review status: criteria provided, single submitter. Criteria: ACMG Guidelines, 2015. Collection method: clinical testing. Allele origin: germline.

Unidad de Genómica Garrahan, Hospital de Pediatría Garrahan
Classification: Benign. Last evaluated: 2023-11-12. Review status: criteria provided, single submitter. Criteria: ACMG Guidelines, 2015. Collection method: clinical testing. Allele origin: germline. Affected: no. Observed: 93 variant alleles.
Comment: This variant is classified as Benign based on local population frequency. This variant was detected in 97% of patients studied by a panel of primary immunodeficiencies. Number of patients: 93. Only high quality variants are reported.

Genome-Nilou Lab
Classification: Benign for Familial cold autoinflammatory syndrome 2. Last evaluated: 2021-09-05. Review status: criteria provided, single submitter. Criteria: ACMG Guidelines, 2015. Collection method: clinical testing. Allele origin: germline. Affected: no.

Laboratory for Molecular Medicine, Mass General Brigham Personalized Medicine
Classification: Benign. Last evaluated: 2016-03-29. Review status: criteria provided, single submitter. Criteria: LMM Criteria. Collection method: clinical testing. Allele origin: germline.
Comment: Variant identified in a genome or exome case(s) and assessed due to predicted null impact of the variant or pathogenic assertions in the literature or databases. Disclaimer: This variant has not undergone full assessment. The following are preliminary notes: Frequency

Breakthrough Genomics
Classification: Benign. Review status: criteria provided, single submitter. Criteria: ACMG Guidelines, 2015. Collection method: not provided. Allele origin: germline. Inheritance: Autosomal dominant inheritance. Affected: yes.